The following is an entry in ClinVar:

NM_006158.5(NEFL):c.865_871del (p.Glu289fs)

Gene: NEFL (neurofilament light chain; minus strand). Cytogenetic location: 8p21.2.
Variant type: Deletion.
Coding change: c.865_871del on transcript NM_006158.5 (MANE Select); coding-DNA positions 865 to 871, 7 bases deleted (GAGAGCG; older notation c.865_871delGAGAGCG).
Protein change: p.Glu289fs; shifts the reading frame from glutamic acid 289.
Molecular consequence: frameshift variant.
Genome position (GRCh38, 1-based): chr8:24,955,645-24,955,651, CGCTCTC deleted on the plus strand (GAGAGCG on the coding strand, the reverse complement: NEFL is on the minus strand). VCF-style (leftmost placement, unchanged base first): chr8-24955644-GCGCTCTC-G. GRCh37 (hg19) VCF-style: chr8-24813158-GCGCTCTC-G.
Other names: short protein forms E289fs.
Identifiers: ClinVar variation 3022773 (VCV003022773.3), dbSNP rs2486886091, ClinGen allele CA2740094975.

ClinVar aggregate classification (germline): Pathogenic (1 of 4 stars; one submission).

Conditions:
Charcot-Marie-Tooth disease type 2E (CMT2E). Also called: CHARCOT-MARIE-TOOTH DISEASE, AXONAL, TYPE 2E; CHARCOT-MARIE-TOOTH NEUROPATHY, TYPE 2E. Identifiers: Orphanet 99939, MedGen C1843225, MONDO:0011894, OMIM 607684.

Submission:

Labcorp Genetics (formerly Invitae), Labcorp
Classification: Pathogenic for Charcot-Marie-Tooth disease type 2E. Last evaluated: 2023-03-29. Review status: criteria provided, single submitter. Criteria: Invitae Variant Classification Sherloc (09022015). Collection method: clinical testing. Allele origin: germline.
Comment: For these reasons, this variant has been classified as Pathogenic. This variant has not been reported in the literature in individuals affected with NEFL-related conditions. This variant is not present in population databases (gnomAD no frequency). This sequence change creates a premature translational stop signal (p.Glu289Profs*35) in the NEFL gene. It is expected to result in an absent or disrupted protein product. Loss-of-function variants in NEFL are known to be pathogenic (PMID: 19158810, 20039262).

Literature cited by the submitters: PubMed 19158810; PubMed 20039262.